The following is an entry in ClinVar:

NM_001374828.1(ARID1B):c.2742_2750delinsAC (p.Met914fs)

Gene: ARID1B (AT-rich interaction domain 1B; plus strand). Cytogenetic location: 6q25.3.
Variant type: Indel.
Coding change: c.2742_2750delinsAC on transcript NM_001374828.1 (MANE Select); coding-DNA positions 2742 to 2750, GAGCCAGTA replaced by AC.
Protein change: p.Met914fs; shifts the reading frame from methionine 914.
Molecular consequence: frameshift variant.
Genome position (GRCh38, 1-based): chr6:157,133,188-157,133,196, GAGCCAGTA replaced by AC. VCF-style: chr6-157133188-GAGCCAGTA-AC. GRCh37 (hg19) VCF-style: chr6-157454322-GAGCCAGTA-AC.
Other names: c.2493_2501delGAGCCAGTAinsAC, p.Met831Ilefs (NM_001346813.1); c.243_251delinsAC, p.Met81fs (NM_001363725.2); c.2781_2789delinsAC, p.Met927fs (NM_001371656.1, NM_001374820.1); c.2742_2750delinsAC, p.Met914fs (NM_017519.3); c.2532_2540delGAGCCAGTAinsAC, p.Met844Ilefs (NM_020732.3); c.2319_2327delGAGCCAGTAinsAC, p.Met773Ilefs (NM_175863.2); short protein forms M81fs, M914fs, M927fs.
Identifiers: ClinVar variation 2505274 (VCV002505274.1), dbSNP rs2537641958, ClinGen allele CA2580615810.

ClinVar aggregate classification (germline): Likely pathogenic (1 of 4 stars; one submission).

Conditions:
Coffin-Siris syndrome 1 (CSS1). Also called: Mental retardation, autosomal dominant 12; ARID1B-Related Coffin-Siris Syndrome. Identifiers: Orphanet 1465, MedGen C3281201, MONDO:0007617, OMIM 135900. Disease mechanism: gain of function.

Submission:

Greenwood Genetic Center Diagnostic Laboratories, Greenwood Genetic Center
Classification: Likely pathogenic for Coffin-Siris syndrome 1. Last evaluated: 2023-02-09. Review status: criteria provided, single submitter. Criteria: ACMG Guidelines, 2015. Collection method: clinical testing. Allele origin: germline. Affected: yes.
Comment: PVS1, PM2